The following is an entry in ClinVar:

ClinVar aggregate classification (germline): Pathogenic (1 of 4 stars; one submission).

Conditions:
Arrhythmogenic right ventricular dysplasia 11. Also called: Arrhythmogenic right ventricular dysplasia 11 with mild palmoplantar keratoderma and woolly hair; Arrhythmogenic Right Ventricular Dysplasia/Cardiomyopathy11; ARRHYTHMOGENIC RIGHT VENTRICULAR DYSPLASIA, FAMILIAL, 11. Identifiers: MedGen C1864850, MONDO:0012506, OMIM 610476.

Allele frequency attached by ClinVar (database versions not stated): ExAC 0.00001; gnomAD exomes below 0.00001.
gnomAD v4.1: 3 of 1,613,904 alleles (0.00019%); highest among the groups gnomAD compares: East Asian, 0.0022%; no homozygotes.

Submission:

Labcorp Genetics (formerly Invitae), Labcorp
Classification: Pathogenic for Arrhythmogenic right ventricular dysplasia 11. Last evaluated: 2024-05-15. Review status: criteria provided, single submitter. Criteria: Invitae Variant Classification Sherloc (09022015). Collection method: clinical testing. Allele origin: germline.
Comment: This sequence change creates a premature translational stop signal (p.Gln734*) in the DSC2 gene. It is expected to result in an absent or disrupted protein product. Loss-of-function variants in DSC2 are known to be pathogenic (PMID: 23911551). This variant is present in population databases (rs769022411, gnomAD 0.006%). This premature translational stop signal has been observed in individual(s) with unexplained cardiac arrest (PMID: 28600387). ClinVar contains an entry for this variant (Variation ID: 568186). For these reasons, this variant has been classified as Pathogenic.

Literature cited by the submitters: PubMed 23911551; PubMed 28600387.

NM_024422.6(DSC2):c.2200C>T (p.Gln734Ter)

Gene: DSC2 (desmocollin 2; minus strand). Cytogenetic location: 18q12.1.
Variant type: single nucleotide variant.
Coding change: c.2200C>T on transcript NM_024422.6 (MANE Select); coding-DNA position 2200, C replaced by T.
Protein change: p.Gln734Ter; replaces glutamine 734 with a stop codon.
Molecular consequence: nonsense.
Genome position (GRCh38, 1-based): chr18:31,070,776, G>A on the plus strand (C>T on the coding strand, the complement: DSC2 is on the minus strand). VCF-style: chr18-31070776-G-A. GRCh37 (hg19) VCF-style: chr18-28650742-G-A.
Other names: c.2200C>T, p.Gln734Ter (NM_004949.5); short protein forms Q734*.
Identifiers: ClinVar variation 568186 (VCV000568186.8), dbSNP rs769022411, ClinGen allele CA035335.
Genomic context (GRCh38, chr18:31,070,776, plus strand): 5'-GACTACTTACCACTTTGTCATCTCCAGGAGCTTCTGTGTTTGATACAATTAGGTTCTGCT[G>A]GGCTAAATCATCAGGAATTACTTTTGGTTGTTTAGACGTCCCAGAAGCCCCACAGACCAG-3'